The following is an entry in ClinVar:

NM_000540.3(RYR1):c.7826C>G (p.Ser2609Trp)

Gene: RYR1 (ryanodine receptor 1; plus strand). Cytogenetic location: 19q13.2.
Variant type: single nucleotide variant.
Coding change: c.7826C>G on transcript NM_000540.3 (MANE Select); coding-DNA position 7826, C replaced by G.
Protein change: p.Ser2609Trp; replaces serine 2609 with tryptophan.
Molecular consequence: missense variant.
Genome position (GRCh38, 1-based): chr19:38,502,718, C>G. VCF-style: chr19-38502718-C-G. GRCh37 (hg19) VCF-style: chr19-38993358-C-G.
Other names: c.7826C>G, p.Ser2609Trp (NM_001042723.2); short protein forms S2609W.
Identifiers: ClinVar variation 1375986 (VCV001375986.7), dbSNP rs747045754, ClinGen allele CA405673034.

ClinVar aggregate classification (germline): Uncertain significance. Review status: criteria provided, multiple submitters, no conflicts (2 of 4 stars). 3 submissions from 3 submitters: Uncertain significance (3). Last evaluated 2025-07-17.

Conditions:
Malignant hyperthermia, susceptibility to, 1 (MHS1). Also called: RYR1-Related Malignant Hyperthermia Susceptibility; Anesthesia related hyperthermia; Malignant hyperpyrexia; Fulminating hyperpyrexia; Pharmacogenic myopathy; Malignant hyperthermia suceptibility 1. Identifiers: Orphanet 423, MedGen C2930980, MONDO:0007783, OMIM 145600.
RYR1-related disorder. Also called: RYR1-related disorders; RYR1-related condition. Identifiers: MedGen CN239331.

Submissions (3):

Color Diagnostics, LLC DBA Color Health
Classification: Uncertain significance for Malignant hyperthermia, susceptibility to, 1. Last evaluated: 2025-07-17. Review status: criteria provided, single submitter. Criteria: ACMG Guidelines, 2015. Collection method: clinical testing. Allele origin: germline.
Comment: This missense variant replaces serine with tryptophan at codon 2609 of the RYR1 protein. Computational prediction is inconclusive regarding the impact of this variant on protein structure and function. To our knowledge, functional studies have not been reported for this variant. This variant has not been reported in individuals affected with RYR1-related disorders in the literature. This variant has not been identified in the general population by the Genome Aggregation Database (gnomAD). The available evidence is insufficient to determine the role of this variant in disease conclusively. Therefore, this variant is classified as a Variant of Uncertain Significance.

All of Us Research Program, National Institutes of Health
Classification: Uncertain significance for Malignant hyperthermia, susceptibility to, 1. Last evaluated: 2023-02-10. Review status: criteria provided, single submitter. Criteria: ACMG Guidelines, 2015. Collection method: clinical testing. Allele origin: germline. Inheritance: Autosomal dominant inheritance. Observed: 1 variant allele, 1 heterozygote.
Comment: This study involves interpretation of variants in research participants for the purpose of population health screening. Participant phenotype was not available at the time of variant classification. Additional details can be found in publication PMID: 35346344, PMCID: PMC8962531

Labcorp Genetics (formerly Invitae), Labcorp
Classification: Uncertain significance for RYR1-related disorder. Last evaluated: 2021-09-02. Review status: criteria provided, single submitter. Criteria: Invitae Variant Classification Sherloc (09022015). Collection method: clinical testing. Allele origin: germline.
Comment: This sequence change replaces serine with tryptophan at codon 2609 of the RYR1 protein (p.Ser2609Trp). The serine residue is weakly conserved and there is a large physicochemical difference between serine and tryptophan. This variant is not present in population databases (ExAC no frequency). This variant has not been reported in the literature in individuals affected with RYR1-related conditions. Advanced modeling of protein sequence and biophysical properties (such as structural, functional, and spatial information, amino acid conservation, physicochemical variation, residue mobility, and thermodynamic stability) performed at Invitae indicates that this missense variant is not expected to disrupt RYR1 protein function. In summary, the available evidence is currently insufficient to determine the role of this variant in disease. Therefore, it has been classified as a Variant of Uncertain Significance.